The following is an entry in ClinVar:

ClinVar aggregate classification (germline): Uncertain significance. Review status: criteria provided, multiple submitters, no conflicts (2 of 4 stars). 2 submissions from 2 submitters: Uncertain significance (2). Last evaluated 2021-12-30.

Conditions:
Emery-Dreifuss muscular dystrophy 4, autosomal dominant (EDMD4). Also called: EMERY-DREIFUSS MUSCULAR DYSTROPHY 4 WITH VARIABLE FEATURES. Identifiers: Orphanet 261, MedGen C2751807, MONDO:0013071, OMIM 612998.
Autosomal recessive ataxia, Beauce type. Also called: Spinocerebellar ataxia, autosomal recessive 8; ATAXIA, RECESSIVE, OF BEAUCE; SYNE1 Deficiency; SYNE1-Related Autosomal Recessive Cerebellar Ataxia. Identifiers: Orphanet 88644, MedGen C1853116, MONDO:0012549, OMIM 610743.

Allele frequency attached by ClinVar (database versions not stated): gnomAD exomes 0.00002 and 0.00004; ExAC 0.00005.
gnomAD v4.1: 27 of 1,614,126 alleles (0.0017%); highest among the groups gnomAD compares: Admixed American, 0.0083%; no homozygotes.

Submissions (2):

Labcorp Genetics (formerly Invitae), Labcorp
Classification: Uncertain significance for Emery-Dreifuss muscular dystrophy 4, autosomal dominant; Autosomal recessive ataxia, Beauce type. Last evaluated: 2021-12-30. Review status: criteria provided, single submitter. Criteria: Invitae Variant Classification Sherloc (09022015). Collection method: clinical testing. Allele origin: germline.
Comment: This sequence change replaces glutamine, which is neutral and polar, with arginine, which is basic and polar, at codon 6961 of the SYNE1 protein (p.Gln6961Arg). This variant is present in population databases (rs752508132, gnomAD 0.03%). This variant has not been reported in the literature in individuals affected with SYNE1-related conditions. ClinVar contains an entry for this variant (Variation ID: 1060417). Algorithms developed to predict the effect of missense changes on protein structure and function are either unavailable or do not agree on the potential impact of this missense change (SIFT: "Tolerated"; PolyPhen-2: "Possibly Damaging"; Align-GVGD: "Class C0"). In summary, the available evidence is currently insufficient to determine the role of this variant in disease. Therefore, it has been classified as a Variant of Uncertain Significance.

Athena Diagnostics
Classification: Uncertain significance. Last evaluated: 2020-12-29. Review status: criteria provided, single submitter. Criteria: Athena Diagnostics criteria. Collection method: clinical testing. Allele origin: unknown.

NM_182961.4(SYNE1):c.21095A>G (p.Gln7032Arg)

Gene: SYNE1 (spectrin repeat containing nuclear envelope protein 1; minus strand). Cytogenetic location: 6q25.2.
Variant type: single nucleotide variant.
Coding change: c.21095A>G on transcript NM_182961.4 (MANE Select); coding-DNA position 21095, A replaced by G.
Protein change: p.Gln7032Arg; replaces glutamine 7032 with arginine.
Molecular consequence: missense variant.
Genome position (GRCh38, 1-based): chr6:152,230,647, T>C on the plus strand (A>G on the coding strand, the complement: SYNE1 is on the minus strand). VCF-style: chr6-152230647-T-C. GRCh37 (hg19) VCF-style: chr6-152551782-T-C.
Other names: c.20882A>G, p.Gln6961Arg (NM_033071.5); short protein forms Q6961R, Q7032R.
Identifiers: ClinVar variation 1060417 (VCV001060417.7), dbSNP rs752508132, ClinGen allele CA4054254.